The following is an entry in ClinVar:

ClinVar aggregate classification (germline): Uncertain significance (1 of 4 stars; one submission).

Conditions:
Usher syndrome type 3B. Also called: USHER SYNDROME, TYPE IIIB. Identifiers: MedGen C3281066, MONDO:0013788, OMIM 614504.

gnomAD v4.1: 2 of 1,614,162 alleles (0.00012%); highest among the groups gnomAD compares: Non-Finnish European, 0.00017%; no homozygotes.

Submission:

Labcorp Genetics (formerly Invitae), Labcorp
Classification: Uncertain significance for Usher syndrome type 3B. Last evaluated: 2025-05-12. Review status: criteria provided, single submitter. Criteria: Invitae Variant Classification Sherloc (09022015). Collection method: clinical testing. Allele origin: germline.
Comment: This sequence change replaces glutamic acid, which is acidic and polar, with valine, which is neutral and non-polar, at codon 456 of the HARS protein (p.Glu456Val). This variant is not present in population databases (gnomAD no frequency). This variant has not been reported in the literature in individuals affected with HARS-related conditions. Invitae Evidence Modeling of protein sequence and biophysical properties (such as structural, functional, and spatial information, amino acid conservation, physicochemical variation, residue mobility, and thermodynamic stability) has been performed for this missense variant. However, the output from this modeling did not meet the statistical confidence thresholds required to predict the impact of this variant on HARS protein function. In summary, the available evidence is currently insufficient to determine the role of this variant in disease. Therefore, it has been classified as a Variant of Uncertain Significance.

NM_002109.6(HARS1):c.1367A>T (p.Glu456Val)

Gene: HARS1 (histidyl-tRNA synthetase 1; minus strand). Cytogenetic location: 5q31.3.
Variant type: single nucleotide variant.
Coding change: c.1367A>T on transcript NM_002109.6 (MANE Select); coding-DNA position 1367, A replaced by T.
Protein change: p.Glu456Val; replaces glutamic acid 456 with valine.
Molecular consequence: missense variant.
Genome position (GRCh38, 1-based): chr5:140,674,770, T>A on the plus strand (A>T on the coding strand, the complement: HARS1 is on the minus strand). VCF-style: chr5-140674770-T-A. GRCh37 (hg19) VCF-style: chr5-140054355-T-A.
Other names: c.1247A>T, p.Glu416Val (NM_001258040.3); c.1307A>T, p.Glu436Val (NM_001258041.3); c.1187A>T, p.Glu396Val (NM_001258042.3); c.1145A>T, p.Glu382Val (NM_001289092.2); c.1025A>T, p.Glu342Val (NM_001289093.2); c.1280A>T, p.Glu427Val (NM_001289094.2); short protein forms E396V, E427V, E436V, E382V, E456V, E342V, E416V.
Identifiers: ClinVar variation 4761616 (VCV004761616.1).
Genomic context (GRCh38, chr5:140,674,770, plus strand): 5'-ATGACCCCATCCTTGAGTTCCTGCTCGCCGATGATAGCCACCAGTGGGATGCCTGCCTCC[T>A]CACAGTACTGTAACTGGTTCAGTAGCTTTGGGTTCTTCTTGTACAGCAGCTCAGCCTGCA-3'
Protein context (NP_002100.2, residues 446-466): PKLLNQLQYC[Glu456Val]EAGIPLVAII